The following is an entry in ClinVar:

NM_001349798.2(FBXW7):c.397A>G (p.Arg133Gly)

Gene: FBXW7 (F-box and WD repeat domain containing 7; minus strand). Cytogenetic location: 4q31.3.
Variant type: single nucleotide variant.
Coding change: c.397A>G on transcript NM_001349798.2 (MANE Select); coding-DNA position 397, A replaced by G.
Protein change: p.Arg133Gly; replaces arginine 133 with glycine.
Molecular consequence: missense variant.
Genome position (GRCh38, 1-based): chr4:152,411,407, T>C on the plus strand (A>G on the coding strand, the complement: FBXW7 is on the minus strand). VCF-style: chr4-152411407-T-C. GRCh37 (hg19) VCF-style: chr4-153332559-T-C.
Other names: c.397A>G, p.Arg133Gly (LRG_1141t1, NM_001257069.1, NM_033632.3); short protein forms R133G.
Identifiers: ClinVar variation 134382 (VCV000134382.4), dbSNP rs6842544, ClinGen allele CA159654.
Genomic context (GRCh38, chr4:152,411,407, plus strand): 5'-GCAGGTCCACAATACTACTGGAGTTCGTGACACTGTTAGTATGTGTATGTTCATCTTCTC[T>C]GCTACTATCATCAGACTGATCAAAATCGTCACTCTCCTGGTCCATCTCCTCCTCCTCCTC-3'
Protein context (NP_001336727.1, residues 123-143): DDFDQSDDSS[Arg133Gly]EDEHTHTNSV

ClinVar aggregate classification (germline): Benign. Review status: criteria provided, single submitter (1 of 4 stars). 2 submissions from 2 submitters: Benign (1). 1 of the submissions does not count toward it. Last evaluated 2026-01-05.

Allele frequency attached by ClinVar (database versions not stated): gnomAD exomes 0.00144; gnomAD 0.00548 and 0.00591; 1000 Genomes Project 0.00699; 1000 Genomes Project 30x 0.00750; TOPMed 0.00651; ExAC 0.00182; ESP Exome Variant Server 0.00615.
gnomAD v4.1: 1,508 of 1,613,712 alleles (0.093%); highest among the groups gnomAD compares: African/African-American, 1.8%; 12 homozygotes.

Submissions (2):

Labcorp Genetics (formerly Invitae), Labcorp
Classification: Benign. Last evaluated: 2026-01-05. Review status: criteria provided, single submitter. Criteria: Invitae Variant Classification Sherloc (09022015). Collection method: clinical testing. Allele origin: germline.

ITMI
No classification provided. Condition: AllHighlyPenetrant. Last evaluated: 2013-09-19. Review status: no classification provided. Collection method: reference population. Allele origin: germline. Not counted in ClinVar's aggregate classification.
Comment: Please see associated publication for description of ethnicities

Literature cited by the submitters: PubMed 24728327 (cited by ITMI).